The following is an entry in ClinVar:

NM_024422.6(DSC2):c.2582_2585dup (p.Gly863fs)

Gene: DSC2 (desmocollin 2; minus strand). Cytogenetic location: 18q12.1.
Variant type: Microsatellite.
Coding change: c.2582_2585dup on transcript NM_024422.6 (MANE Select); coding-DNA positions 2582 to 2585, 4 bases duplicated (GAAG; older notation c.2582_2585dupGAAG).
Protein change: p.Gly863fs; shifts the reading frame from glycine 863.
Molecular consequence: frameshift variant. On other transcripts: 3 prime UTR variant (1).
Genome position (GRCh38, 1-based): chr18:31,068,136-31,068,139, CTTC duplicated on the plus strand (GAAG on the coding strand, the reverse complement: DSC2 is on the minus strand); duplicating any 4 consecutive bases within chr18:31,068,136-31,068,143 gives the same sequence; the c. name uses the placement nearest the transcript's 3' end. VCF-style (leftmost placement, unchanged base first): chr18-31068135-T-TCTTC. GRCh37 (hg19) VCF-style: chr18-28648101-T-TCTTC.
Other names: c.2582_2585dup (NM_024422.3, NM_024422.4); c.*80GAAG[3] (NM_004949.5); short protein forms G863fs.
Identifiers: ClinVar variation 199787 (VCV000199787.20), dbSNP rs780970079, ClinGen allele CA334922.
Genomic context (GRCh38, chr18:31,068,135, plus strand): 5'-TTCAAGCCCATCTTCTTCTTGTCGTTCACTGCAACAACCTACAGACCCAGCCACCGATCC[T>TCTTC]CTTCCTTCATAGTTATATGTCAGGACATAGTCTTGGGCATGCTTGTGATTTTCATCTTGA-3'

ClinVar aggregate classification (germline): Uncertain significance. Review status: criteria provided, multiple submitters, no conflicts (2 of 4 stars). 6 submissions from 6 submitters: Uncertain significance (6). Last evaluated 2024-12-09.

Conditions:
Cardiovascular phenotype. Identifiers: MedGen CN230736.
Arrhythmogenic right ventricular dysplasia 11. Also called: Arrhythmogenic right ventricular dysplasia 11 with mild palmoplantar keratoderma and woolly hair; Arrhythmogenic Right Ventricular Dysplasia/Cardiomyopathy11; ARRHYTHMOGENIC RIGHT VENTRICULAR DYSPLASIA, FAMILIAL, 11. Identifiers: MedGen C1864850, MONDO:0012506, OMIM 610476.
Cardiomyopathy (CMYO). Also called: Cardiomyopathies. Identifiers: Orphanet 167848, MedGen C0878544, MONDO:0004994, HP:0001638. Inheritance: Various modes of inheritance.

Submissions (6):

GeneDx
Classification: Uncertain significance. Last evaluated: 2024-12-09. Review status: criteria provided, single submitter. Criteria: GeneDx Variant Classification Process June 2021. Collection method: clinical testing. Allele origin: germline. Affected: yes.
Comment: Frameshift variant predicted to result in abnormal protein length as the last 39 amino acid(s) are replaced with 12 different amino acid(s); Not observed at significant frequency in large population cohorts (gnomAD); This variant is associated with the following publications: (PMID: 25616645, 28588093, 31386562)

Color Diagnostics, LLC DBA Color Health
Classification: Uncertain significance for Cardiomyopathy. Last evaluated: 2024-11-13. Review status: criteria provided, single submitter. Criteria: ACMG Guidelines, 2015. Collection method: clinical testing. Allele origin: germline.
Comment: This variant duplicates 4 nucleotides in exon 16 of of the DSC2 gene, creating a frameshift in the last exon. The mutant transcript is expected to escape nonsense-mediated decay and be expressed as a protein product containing altered C-terminal sequence. To our knowledge, functional assays have not been performed for this variant. This variant has been observed in an individual affected with arrhythmogenic right ventricular cardiomyopathy (PMID: 25616645, 28588093). This variant has also been identified in 3/251090 chromosomes in the general population by the Genome Aggregation Database (gnomAD). The available evidence is insufficient to determine the role of this variant in disease conclusively. Therefore, this variant is classified as a Variant of Uncertain Significance.

Ambry Genetics
Classification: Uncertain significance for Cardiovascular phenotype. Last evaluated: 2023-11-27. Review status: criteria provided, single submitter. Criteria: Ambry Variant Classification Scheme 2023. Collection method: clinical testing. Allele origin: germline.
Comment: The c.2582_2585dupGAAG variant, located in coding exon 16 of the DSC2 gene, results from a duplication of GAAG at nucleotide position 2582, causing a translational frameshift with a predicted alternate stop codon (p.G863Kfs*13). This alteration occurs at the 3' terminus of theDSC2 gene, is not expected to trigger nonsense-mediated mRNAdecay, and only impacts the last 3% of the protein. The exact functional effect of this alteration is unknown. This alteration has been reported in an arrhythmogenic right ventricular cardiomyopathy (ARVC) cohort; however, clinical details were limited (Groeneweg JA et al. Circ Cardiovasc Genet, 2015 Jun;8:437-46). Since supporting evidence is limited at this time, the clinical significance of this alteration remains unclear.

Labcorp Genetics (formerly Invitae), Labcorp
Classification: Uncertain significance for Arrhythmogenic right ventricular dysplasia 11. Last evaluated: 2022-05-17. Review status: criteria provided, single submitter. Criteria: Invitae Variant Classification Sherloc (09022015). Collection method: clinical testing. Allele origin: germline.
Comment: This premature translational stop signal has been observed in individual(s) with arrhythmogenic right ventricular cardiomyopathy (PMID: 25616645). ClinVar contains an entry for this variant (Variation ID: 199787). Experimental studies and prediction algorithms are not available or were not evaluated, and the functional significance of this variant is currently unknown. In summary, the available evidence is currently insufficient to determine the role of this variant in disease. Therefore, it has been classified as a Variant of Uncertain Significance. This variant is present in population databases (rs780970079, gnomAD 0.003%). This sequence change creates a premature translational stop signal (p.Gly863Lysfs*13) in the DSC2 gene. While this is not anticipated to result in nonsense mediated decay, it is expected to disrupt the last 39 amino acid(s) of the DSC2 protein.

Fulgent Genetics
Classification: Uncertain significance for Arrhythmogenic right ventricular dysplasia 11. Last evaluated: 2021-09-08. Review status: criteria provided, single submitter. Criteria: ACMG Guidelines, 2015. Collection method: clinical testing. Allele origin: unknown.

CHEO Genetics Diagnostic Laboratory, Children's Hospital of Eastern Ontario
Classification: Uncertain significance for Cardiomyopathy. Last evaluated: 2018-06-28. Review status: criteria provided, single submitter. Criteria: ACMG Guidelines, 2015. Collection method: clinical testing. Allele origin: germline.

Literature cited by the submitters: PubMed 25616645 (cited by Color Diagnostics, LLC DBA Color Health and Labcorp Genetics (formerly Invitae), Labcorp); PubMed 28588093 (cited by Color Diagnostics, LLC DBA Color Health); PubMed 25820315 (cited by Ambry Genetics).